The following is an entry in ClinVar:

ClinVar aggregate classification (germline): Pathogenic (1 of 4 stars; one submission).

Submission:

Labcorp Genetics (formerly Invitae), Labcorp
Classification: Pathogenic. Last evaluated: 2025-02-28. Review status: criteria provided, single submitter. Criteria: Invitae Variant Classification Sherloc (09022015). Collection method: clinical testing. Allele origin: germline.
Comment: This sequence change creates a premature translational stop signal (p.Gly568*) in the MERTK gene. It is expected to result in an absent or disrupted protein product. Loss-of-function variants in MERTK are known to be pathogenic (PMID: 24265693, 29659094). This variant is not present in population databases (gnomAD no frequency). This variant has not been reported in the literature in individuals affected with MERTK-related conditions. Algorithms developed to predict the effect of sequence changes on RNA splicing suggest that this variant may disrupt the consensus splice site. For these reasons, this variant has been classified as Pathogenic.

Literature cited by the submitters: PubMed 24265693; PubMed 29659094.

NM_006343.3(MERTK):c.1702G>T (p.Gly568Ter)

Gene: MERTK (MER proto-oncogene, tyrosine kinase; plus strand). Cytogenetic location: 2q13.
Variant type: single nucleotide variant.
Coding change: c.1702G>T on transcript NM_006343.3 (MANE Select); coding-DNA position 1702, G replaced by T.
Protein change: p.Gly568Ter; replaces glycine 568 with a stop codon.
Molecular consequence: nonsense.
Genome position (GRCh38, 1-based): chr2:112,003,103, G>T. VCF-style: chr2-112003103-G-T. GRCh37 (hg19) VCF-style: chr2-112760680-G-T.
Other names: short protein forms G568*.
Identifiers: ClinVar variation 3662669 (VCV003662669.2).